The following is an entry in ClinVar:

NM_001172509.2(SATB2):c.2129T>A (p.Met710Lys)

Genes: SATB2 (SATB homeobox 2; minus strand), LOC126806462 (MED14-independent group 3 enhancer GRCh37_chr2:200136608-200137807; plus strand). Cytogenetic location: 2q33.1.
Variant type: single nucleotide variant.
Coding change: c.2129T>A on transcript NM_001172509.2 (MANE Select); coding-DNA position 2129, T replaced by A.
Protein change: p.Met710Lys; replaces methionine 710 with lysine.
Molecular consequence: missense variant.
Genome position (GRCh38, 1-based): chr2:199,272,284, A>T on the plus strand (T>A on the coding strand, the complement: SATB2 is on the minus strand). VCF-style: chr2-199272284-A-T. GRCh37 (hg19) VCF-style: chr2-200137007-A-T.
Other names: c.2129T>A, p.Met710Lys (NM_001172517.1, NM_015265.4); short protein forms M710K.
Identifiers: ClinVar variation 2627304 (VCV002627304.1), dbSNP rs2468782822, ClinGen allele CA350385077.
Genomic context (GRCh38, chr2:199,272,284, plus strand): 5'-ATTTCGGCAGGTGCTGCCTTGCTTTTGTCAGCATTTTCCTCCTCAGCCTCCACTTTGTAC[A>T]TCTCCTCGGAGCCTTCCTCGCTGTCGTTCTCCTCTGACTCGGTCAGCAGCTCCTCGTCCT-3'
Protein context (NP_001165980.1, residues 700-720): ENDSEEGSEE[Met710Lys]YKVEAEEENA

ClinVar aggregate classification (germline): Uncertain significance (1 of 4 stars; one submission).

Submission:

Women's Health and Genetics/Laboratory Corporation of America, LabCorp
Classification: Uncertain significance. Last evaluated: 2023-09-22. Review status: criteria provided, single submitter. Criteria: LabCorp Variant Classification Summary - May 2015. Collection method: clinical testing. Allele origin: germline.
Comment: Variant summary: SATB2 c.2129T>A (p.Met710Lys) results in a non-conservative amino acid change in the encoded protein sequence. Three of five in-silico tools predict a damaging effect of the variant on protein function. The variant was absent in 251052 control chromosomes. The available data on variant occurrences in the general population are insufficient to allow any conclusion about variant significance. To our knowledge, no occurrence of c.2129T>A in individuals affected with SATB2 Associated Disorder and no experimental evidence demonstrating its impact on protein function have been reported. No submitters have cited clinical-significance assessments for this variant to ClinVar after 2014. Based on the evidence outlined above, the variant was classified as uncertain significance.